The following is an entry in ClinVar:

ClinVar aggregate classification (germline): Benign/Likely benign. Review status: criteria provided, multiple submitters, no conflicts (2 of 4 stars). 12 submissions from 12 submitters: Benign (8); Likely benign (3). 1 of the submissions does not count toward it. Last evaluated 2026-06-01.

Conditions:
ZEB2-related disorder. Also called: ZEB2-related condition.
Inborn genetic diseases. Identifiers: MedGen C0950123, MeSH D030342.
Mowat-Wilson syndrome (MOWS). Also called: Classic Mowat-Wilson Syndrome. Identifiers: Orphanet 2152, MedGen C1856113, MONDO:0009341, OMIM 235730.

Allele frequency attached by ClinVar (database versions not stated): 1000 Genomes Project 30x 0.00141; ESP Exome Variant Server 0.00062; TOPMed 0.00049; gnomAD 0.00113 and 0.00087; 1000 Genomes Project 0.00140; ExAC 0.00207; gnomAD exomes 0.00114 and 0.00198.
gnomAD v4.1: 1,828 of 1,614,180 alleles (0.11%); highest among the groups gnomAD compares: South Asian, 0.81%; 8 homozygotes.

Submissions (12):

CeGaT Center for Human Genetics Tuebingen
Classification: Likely benign. Last evaluated: 2026-06-01. Review status: criteria provided, single submitter. Criteria: CeGaT Center For Human Genetics Tuebingen Variant Classification Criteria Version 2. Collection method: clinical testing. Allele origin: germline. Affected: yes. Observed: 19 variant alleles.
Comment: ZEB2: BS1

Labcorp Genetics (formerly Invitae), Labcorp
Classification: Benign for Mowat-Wilson syndrome. Last evaluated: 2026-01-28. Review status: criteria provided, single submitter. Criteria: Invitae Variant Classification Sherloc (09022015). Collection method: clinical testing. Allele origin: germline.

ARUP Laboratories, Molecular Genetics and Genomics, ARUP Laboratories
Classification: Benign for Mowat-Wilson syndrome. Last evaluated: 2025-03-06. Review status: criteria provided, single submitter. Criteria: ARUP Molecular Germline Variant Investigation Process 2024. Collection method: clinical testing. Allele origin: germline.

Blueprint Genetics
Classification: Likely benign. Last evaluated: 2024-11-18. Review status: criteria provided, single submitter. Criteria: ACMG Guidelines, 2015. Collection method: clinical testing. Allele origin: germline.

Genome-Nilou Lab
Classification: Benign for Mowat-Wilson syndrome. Last evaluated: 2021-11-07. Review status: criteria provided, single submitter. Criteria: ACMG Guidelines, 2015. Collection method: clinical testing. Allele origin: germline. Affected: no.

Center for Human Genetics, Inc
Classification: Likely benign for Mowat-Wilson syndrome. Last evaluated: 2016-11-01. Review status: criteria provided, single submitter. Criteria: ACMG Guidelines, 2015. Collection method: clinical testing. Allele origin: germline. Affected: yes.

Ambry Genetics
Classification: Benign for Inborn genetic diseases. Last evaluated: 2016-07-13. Review status: criteria provided, single submitter. Criteria: Ambry Variant Classification Scheme 2023. Collection method: clinical testing. Allele origin: germline.

GeneDx
Classification: Benign. Last evaluated: 2016-03-30. Review status: criteria provided, single submitter. Criteria: GeneDx Variant Classification (06012015). Collection method: clinical testing. Allele origin: germline. Affected: yes.
Comment: This variant is considered likely benign or benign based on one or more of the following criteria: it is a conservative change, it occurs at a poorly conserved position in the protein, it is predicted to be benign by multiple in silico algorithms, and/or has population frequency not consistent with disease.

Genetic Services Laboratory, University of Chicago
Classification: Benign. Last evaluated: 2016-03-30. Review status: criteria provided, single submitter. Criteria: ACMG Guidelines, 2015. Collection method: clinical testing. Allele origin: germline. Affected: no.

Center for Pediatric Genomic Medicine, Children's Mercy Hospital and Clinics
Classification: Benign. Last evaluated: 2016-03-22. Review status: criteria provided, single submitter. Criteria: ACMG Guidelines, 2015. Collection method: clinical testing. Allele origin: germline.

Eurofins Ntd Llc (ga)
Classification: Benign. Last evaluated: 2013-01-10. Review status: criteria provided, single submitter. Criteria: EGL Classification Definitions 2015. Collection method: clinical testing. Allele origin: germline. Observed: 2 variant alleles, 2 heterozygotes.

PreventionGenetics, part of Exact Sciences
Classification: Benign for ZEB2-related condition. Last evaluated: 2019-09-06. Review status: no assertion criteria provided. Collection method: clinical testing. Allele origin: germline. Not counted in ClinVar's aggregate classification.
Comment: This variant is classified as benign based on ACMG/AMP sequence variant interpretation guidelines (Richards et al. 2015 PMID: 25741868, with internal and published modifications).

NM_014795.4(ZEB2):c.2230A>G (p.Ile744Val)

Gene: ZEB2 (zinc finger E-box binding homeobox 2; minus strand). Cytogenetic location: 2q22.3.
Variant type: single nucleotide variant.
Coding change: c.2230A>G on transcript NM_014795.4 (MANE Select); coding-DNA position 2230, A replaced by G.
Protein change: p.Ile744Val; replaces isoleucine 744 with valine.
Molecular consequence: missense variant.
Genome position (GRCh38, 1-based): chr2:144,398,957, T>C on the plus strand (A>G on the coding strand, the complement: ZEB2 is on the minus strand). VCF-style: chr2-144398957-T-C. GRCh37 (hg19) VCF-style: chr2-145156524-T-C.
Other names: p.I744V:ATA>GTA; c.2158A>G, p.Ile720Val (NM_001171653.2); short protein forms I744V, I720V.
Identifiers: ClinVar variation 95630 (VCV000095630.58), dbSNP rs112005830, ClinGen allele CA148676.